The following is an entry in ClinVar:

ClinVar aggregate classification (germline): Uncertain significance (1 of 4 stars; one submission).

Conditions:
Familial thoracic aortic aneurysm and aortic dissection (TAAD). Also called: Thoracic aortic aneurysms and dissections. Identifiers: Orphanet 91387, MedGen C4707243, MONDO:0019625.

Submission:

Ambry Genetics
Classification: Uncertain significance for Familial thoracic aortic aneurysm and aortic dissection. Last evaluated: 2022-04-09. Review status: criteria provided, single submitter. Criteria: Ambry Variant Classification Scheme 2023. Collection method: clinical testing. Allele origin: germline.
Comment: The p.L162I variant (also known as c.484C>A), located in coding exon 4 of the TGFBR2 gene, results from a C to A substitution at nucleotide position 484. The leucine at codon 162 is replaced by isoleucine, an amino acid with highly similar properties. This amino acid position is conserved. In addition, this alteration is predicted to be tolerated by in silico analysis. Since supporting evidence is limited at this time, the clinical significance of this alteration remains unclear.

NM_003242.6(TGFBR2):c.484C>A (p.Leu162Ile)

Gene: TGFBR2 (transforming growth factor beta receptor 2; plus strand). Cytogenetic location: 3p24.1.
Variant type: single nucleotide variant.
Coding change: c.484C>A on transcript NM_003242.6 (MANE Select); coding-DNA position 484, C replaced by A.
Protein change: p.Leu162Ile; replaces leucine 162 with isoleucine.
Molecular consequence: missense variant.
Genome position (GRCh38, 1-based): chr3:30,671,667, C>A. VCF-style: chr3-30671667-C-A. GRCh37 (hg19) VCF-style: chr3-30713159-C-A.
Other names: c.559C>A, p.Leu187Ile (NM_001024847.3); c.667C>A, p.Leu223Ile (NM_001407126.1); c.592C>A, p.Leu198Ile (NM_001407127.1); c.511C>A, p.Leu171Ile (NM_001407128.1); c.487C>A, p.Leu163Ile (NM_001407129.1); c.484C>A, p.Leu162Ile (NM_001407130.1); c.379C>A, p.Leu127Ile (NM_001407132.1, NM_001407133.1, NM_001407134.1 and 2 more transcripts); c.199C>A, p.Leu67Ile (NM_001407137.1); and 1 more; short protein forms L127I, L163I, L198I, L223I, L67I, L171I, L42I, L162I.
Identifiers: ClinVar variation 1743553 (VCV001743553.2), dbSNP rs2125433273, ClinGen allele CA351807213.
Genomic context (GRCh38, chr3:30,671,667, plus strand): 5'-TCCTTCTCTCCTTGTTTTGTTTCCCCATCAGAATATAACACCAGCAATCCTGACTTGTTG[C>A]TAGTCATATTTCAAGTGACAGGCATCAGCCTCCTGCCACCACTGGGAGTTGCCATATCTG-3'
Protein context (NP_003233.4, residues 152-172): EYNTSNPDLL[Leu162Ile]VIFQVTGISL